The following is an entry in ClinVar:

ClinVar aggregate classification (germline): Uncertain significance (1 of 4 stars; one submission).

Submission:

GeneDx
Classification: Uncertain significance. Last evaluated: 2025-04-21. Review status: criteria provided, single submitter. Criteria: GeneDx Variant Classification Process June 2021. Collection method: clinical testing. Allele origin: germline. Affected: yes.
Comment: Not observed at significant frequency in large population cohorts (gnomAD); In silico analysis indicates that this missense variant does not alter protein structure/function; Has not been previously published as pathogenic or benign to our knowledge

NM_004415.4(DSP):c.2930A>G (p.Asn977Ser)

Gene: DSP (desmoplakin; plus strand). Cytogenetic location: 6p24.3.
Variant type: single nucleotide variant.
Coding change: c.2930A>G on transcript NM_004415.4 (MANE Select); coding-DNA position 2930, A replaced by G.
Protein change: p.Asn977Ser; replaces asparagine 977 with serine.
Molecular consequence: missense variant.
Genome position (GRCh38, 1-based): chr6:7,577,831, A>G. VCF-style: chr6-7577831-A-G. GRCh37 (hg19) VCF-style: chr6-7578064-A-G.
Other names: c.2930A>G, p.Asn977Ser (NM_001008844.3, NM_001319034.2); short protein forms N977S.
Identifiers: ClinVar variation 4527376 (VCV004527376.1).